The following is an entry in ClinVar:

ClinVar aggregate classification (germline): Uncertain significance (1 of 4 stars; one submission).

Conditions:
Hereditary sensory and autonomic neuropathy type 6. Also called: HSAN VI; Neuropathy, hereditary sensory and autonomic, type VI. Identifiers: Orphanet 314381, MedGen C3539003, MONDO:0013839, OMIM 614653.
Epidermolysis bullosa simplex 3, localized or generalized intermediate, with BP230 deficiency (EBS3). Also called: Epidermolysis bullosa simplex, autosomal recessive 2; Epidermolysis bullosa simplex due to BP230 deficiency. Identifiers: Orphanet 412181, MedGen C3809470, MONDO:0014180, OMIM 615425.

Allele frequency attached by ClinVar (database versions not stated): gnomAD exomes below 0.00001.
gnomAD v4.1: 7 of 1,613,436 alleles (0.00043%); highest among the groups gnomAD compares: East Asian, 0.013%; no homozygotes.

Submission:

Labcorp Genetics (formerly Invitae), Labcorp
Classification: Uncertain significance for Epidermolysis bullosa simplex 3, localized or generalized intermediate, with BP230 deficiency; Hereditary sensory and autonomic neuropathy type 6. Last evaluated: 2022-08-15. Review status: criteria provided, single submitter. Criteria: Invitae Variant Classification Sherloc (09022015). Collection method: clinical testing. Allele origin: germline.
Comment: Experimental studies and prediction algorithms are not available or were not evaluated, and the functional significance of this variant is currently unknown. In summary, the available evidence is currently insufficient to determine the role of this variant in disease. Therefore, it has been classified as a Variant of Uncertain Significance. This variant has not been reported in the literature in individuals affected with DST-related conditions. This variant is not present in population databases (gnomAD no frequency). This sequence change replaces lysine, which is basic and polar, with asparagine, which is neutral and polar, at codon 4710 of the DST protein (p.Lys4710Asn). The DST gene has multiple clinically relevant transcripts. This variant occurs in alternate transcript NM_015548.4, and corresponds to NM_001723.5:c.*143299A>C in the primary transcript.

NM_001374736.1(DST):c.21999A>C (p.Lys7333Asn)

Gene: DST (dystonin; minus strand). Cytogenetic location: 6p12.1.
Variant type: single nucleotide variant.
Coding change: c.21999A>C on transcript NM_001374736.1 (MANE Select); coding-DNA position 21999, A replaced by C.
Protein change: p.Lys7333Asn; replaces lysine 7333 with asparagine.
Molecular consequence: missense variant.
Genome position (GRCh38, 1-based): chr6:56,472,218, T>G on the plus strand (A>C on the coding strand, the complement: DST is on the minus strand). VCF-style: chr6-56472218-T-G. GRCh37 (hg19) VCF-style: chr6-56337016-T-G.
Other names: c.15642A>C, p.Lys5214Asn (NM_001144769.5); c.15228A>C, p.Lys5076Asn (NM_001144770.2); c.21999A>C, p.Lys7333Asn (NM_001374722.1); c.21039A>C, p.Lys7013Asn (NM_001374729.1); c.14781A>C, p.Lys4927Asn (NM_001374730.1); c.22026A>C, p.Lys7342Asn (NM_001374734.1); c.15108A>C, p.Lys5036Asn (NM_001386100.1, NM_183380.4); c.14130A>C, p.Lys4710Asn (NM_015548.5); short protein forms K4927N, K7333N, K7013N, K4710N, K5036N, K5076N, K5214N, K7342N.
Identifiers: ClinVar variation 1470339 (VCV001470339.8), dbSNP rs1562212191, ClinGen allele CA364509105.
Genomic context (GRCh38, chr6:56,472,218, plus strand): 5'-ATTTTTGGTTTCAATTTGTGTCTGTGACCCAGAGGGATACAAGCTTGATGCTGGAAAGCG[T>G]TTTCCTGTGAAGGTATAACTTCGGTTAGGATGGCAGTTTCCAGGGTGCTGAAATGTGTTA-3'
Protein context (NP_001361665.1, residues 7323-7343): PVLDKGRAGR[Lys7333Asn]RFPASSLYPS